The following is an entry in ClinVar:

NM_001172560.3(SSTR5):c.741G>A (p.Thr247=)

Gene: SSTR5 (somatostatin receptor 5; plus strand). Cytogenetic location: 16p13.3.
Variant type: single nucleotide variant.
Coding change: c.741G>A on transcript NM_001172560.3 (MANE Select); coding-DNA position 741, G replaced by A.
Protein change: p.Thr247=; no amino-acid change (threonine 247 retained).
Molecular consequence: synonymous variant.
Genome position (GRCh38, 1-based): chr16:1,079,609, G>A. VCF-style: chr16-1079609-G-A. GRCh37 (hg19) VCF-style: chr16-1129609-G-A.
Other names: c.741G>A, p.Thr247= (NM_001053.4).
Identifiers: ClinVar variation 2645875 (VCV002645875.24), dbSNP rs151120448, ClinGen allele CA7798824.

ClinVar aggregate classification (germline): Likely benign (1 of 4 stars; one submission).

Allele frequency attached by ClinVar (database versions not stated): ExAC 0.00001; TOPMed 0.00001; gnomAD 0.00002; ESP Exome Variant Server 0.00008; 1000 Genomes Project 0.00020; 1000 Genomes Project 30x 0.00031.

Submission:

CeGaT Center for Human Genetics Tuebingen
Classification: Likely benign. Last evaluated: 2022-05-01. Review status: criteria provided, single submitter. Criteria: CeGaT Center For Human Genetics Tuebingen Variant Classification Criteria Version 2. Collection method: clinical testing. Allele origin: germline. Affected: yes. Observed: 1 variant allele.
Comment: SSTR5: BP4, BP7